The following is an entry in ClinVar:

ClinVar aggregate classification (germline): Benign/Likely benign. Review status: criteria provided, multiple submitters, no conflicts (2 of 4 stars). 4 submissions from 3 submitters: Benign (3); Likely benign (1). Last evaluated 2023-05-01.

Conditions:
Rhabdoid tumor predisposition syndrome 1 (RTPS1). Also called: Familial Posterior Fossa Brain Tumor of Infancy. Identifiers: Orphanet 231108, Orphanet 69077, MedGen C1836327, MONDO:0012252, OMIM 609322.
SMARCB1-related schwannomatosis. Also called: Schwannomatosis 1; SWNTS1. Identifiers: Orphanet 93921, MedGen C4048809, MONDO:0024517, OMIM 162091. Disease mechanism: loss of function.

Allele frequency attached by ClinVar (database versions not stated): 1000 Genomes Project 30x 0.00062; 1000 Genomes Project 0.00080; gnomAD 0.00233 and 0.00242; TOPMed 0.00240.

Submissions (4):

CeGaT Center for Human Genetics Tuebingen
Classification: Likely benign. Last evaluated: 2023-05-01. Review status: criteria provided, single submitter. Criteria: CeGaT Center For Human Genetics Tuebingen Variant Classification Criteria Version 2. Collection method: clinical testing. Allele origin: germline. Affected: yes. Observed: 14 variant alleles.
Comment: SMARCB1: BS1

Illumina Laboratory Services, Illumina
Classification: Benign for Rhabdoid tumor predisposition syndrome 1. Last evaluated: 2018-01-13. Review status: criteria provided, single submitter. Criteria: ICSL Variant Classification Criteria 13 December 2019. Collection method: clinical testing. Allele origin: germline.
Comment: This variant was observed in the ICSL laboratory as part of a predisposition screen in an ostensibly healthy population. It had not been previously curated by ICSL or reported in the Human Gene Mutation Database (HGMD: prior to June 1st, 2018), and was therefore a candidate for classification through an automated scoring system. Utilizing variant allele frequency, disease prevalence and penetrance estimates, and inheritance mode, an automated score was calculated to assess if this variant is too frequent to cause the disease. Based on the score and internal cut-off values, a variant classified as benign is not then subjected to further curation. The score for this variant resulted in a classification of benign for this disease.

Illumina Laboratory Services, Illumina
Classification: Benign for SMARCB1-related schwannomatosis. Last evaluated: 2018-01-13. Review status: criteria provided, single submitter. Criteria: ICSL Variant Classification Criteria 13 December 2019. Collection method: clinical testing. Allele origin: germline.
Comment: the same text as in the submission from Illumina Laboratory Services, Illumina above.

Breakthrough Genomics
Classification: Benign. Review status: criteria provided, single submitter. Criteria: ACMG Guidelines, 2015. Collection method: not provided. Allele origin: germline. Inheritance: Autosomal dominant inheritance. Affected: yes.

NM_003073.5(SMARCB1):c.-115C>T

Gene: SMARCB1 (SWI/SNF related BAF chromatin remodeling complex subunit B1; plus strand). Cytogenetic location: 22q11.23.
Variant type: single nucleotide variant.
Coding change: c.-115C>T on transcript NM_003073.5 (MANE Select); 115 bases upstream of the start codon, C replaced by T.
Molecular consequence: 5 prime UTR variant.
Genome position (GRCh38, 1-based): chr22:23,787,055, C>T. VCF-style: chr22-23787055-C-T. GRCh37 (hg19) VCF-style: chr22-24129242-C-T.
Other names: c.-115C>T (LRG_520t1, NM_001007468.3, NM_001317946.2 and 1 more transcripts).
Identifiers: ClinVar variation 340909 (VCV000340909.37), dbSNP rs551328283, ClinGen allele CA10653906.